The following is an entry in ClinVar:

ClinVar aggregate classification (germline): Uncertain significance (1 of 4 stars; one submission).

Allele frequency attached by ClinVar (database versions not stated): gnomAD exomes below 0.00001; TOPMed 0.00001.
gnomAD v4.1: 2 of 1,211,731 alleles (0.00017%); highest among the groups gnomAD compares: Non-Finnish European, 0.00022%; no homozygotes.

Submission:

CeGaT Center for Human Genetics Tuebingen
Classification: Uncertain significance. Last evaluated: 2022-09-01. Review status: criteria provided, single submitter. Criteria: CeGaT Center For Human Genetics Tuebingen Variant Classification Criteria Version 2. Collection method: clinical testing. Allele origin: germline. Affected: yes. Observed: 1 variant allele.
Comment: TAF1: PM2, PP2

NM_004606.5(TAF1):c.3365G>A (p.Arg1122Gln)

Gene: TAF1 (TATA-box binding protein associated factor 1; plus strand). Cytogenetic location: Xq13.1.
Variant type: single nucleotide variant.
Coding change: c.3365G>A on transcript NM_004606.5 (MANE Select); coding-DNA position 3365, G replaced by A.
Protein change: p.Arg1122Gln; replaces arginine 1122 with glutamine.
Molecular consequence: missense variant. On other transcripts: non-coding transcript variant (9).
Genome position (GRCh38, 1-based): chrX:71,394,204, G>A. VCF-style: chrX-71394204-G-A. GRCh37 (hg19) VCF-style: chrX-70614054-G-A.
Other names: c.3365G>A, p.Arg1122Gln (NM_001286074.2); c.3302G>A, p.Arg1101Gln (NM_138923.4); short protein forms R1101Q, R1122Q.
Identifiers: ClinVar variation 2660880 (VCV002660880.24), dbSNP rs2034720686, ClinGen allele CA413528489.